The following is an entry in ClinVar:

ClinVar aggregate classification (germline): Likely benign (1 of 4 stars; one submission).

Allele frequency attached by ClinVar (database versions not stated): gnomAD exomes 0.00001.
gnomAD v4.1: 13 of 1,547,572 alleles (0.00084%); highest among the groups gnomAD compares: Non-Finnish European, 0.001%; no homozygotes.

Submission:

CeGaT Center for Human Genetics Tuebingen
Classification: Likely benign. Last evaluated: 2022-03-01. Review status: criteria provided, single submitter. Criteria: CeGaT Center For Human Genetics Tuebingen Variant Classification Criteria Version 2. Collection method: clinical testing. Allele origin: germline. Affected: yes. Observed: 1 variant allele.
Comment: PSMD3: BP4, BP7

NM_002809.4(PSMD3):c.30C>T (p.Arg10=)

Gene: PSMD3 (proteasome 26S subunit, non-ATPase 3; plus strand). Cytogenetic location: 17q21.1.
Variant type: single nucleotide variant.
Coding change: c.30C>T on transcript NM_002809.4 (MANE Select); coding-DNA position 30, C replaced by T.
Protein change: p.Arg10=; no amino-acid change (arginine 10 retained).
Molecular consequence: synonymous variant.
Genome position (GRCh38, 1-based): chr17:39,981,000, C>T. VCF-style: chr17-39981000-C-T. GRCh37 (hg19) VCF-style: chr17-38137253-C-T.
Identifiers: ClinVar variation 2647731 (VCV002647731.24), dbSNP rs1007310917, ClinGen allele CA290476604.
Genomic context (GRCh38, chr17:39,981,000, plus strand): 5'-GTCCCCGGACTAGGCCGTGACCCCGGGTGCCATGAAGCAGGAGGGCTCGGCGCGGCGCCG[C>T]GGCGCGGACAAGGCGAAACCGCCGCCCGGCGGAGGAGAACAAGAACCCCCACCGCCGCCG-3'
Protein context (NP_002800.2, residues 1-20): MKQEGSARR[Arg10=]GADKAKPPPG